The following is an entry in ClinVar:

NM_021942.6(TRAPPC11):c.2942A>G (p.His981Arg)

Gene: TRAPPC11 (trafficking protein particle complex subunit 11; plus strand). Cytogenetic location: 4q35.1.
Variant type: single nucleotide variant.
Coding change: c.2942A>G on transcript NM_021942.6 (MANE Select); coding-DNA position 2942, A replaced by G.
Protein change: p.His981Arg; replaces histidine 981 with arginine.
Molecular consequence: missense variant.
Genome position (GRCh38, 1-based): chr4:183,701,787, A>G. VCF-style: chr4-183701787-A-G. GRCh37 (hg19) VCF-style: chr4-184622940-A-G.
Other names: c.2942A>G, p.His981Arg (NM_199053.3); short protein forms H981R.
Identifiers: ClinVar variation 474360 (VCV000474360.2), dbSNP rs1554011266, ClinGen allele CA358873925.
Genomic context (GRCh38, chr4:183,701,787, plus strand): 5'-AATGCTTTTGTCTTCAATGCCCATCTCTTGGAAATATTGAAGGTGGAGTAGCAACCGGGC[A>G]TTATATTATCTCTTGGAAAAGGTAAGAATTATGTCAATCCTGTCTTTTCTTCAATGTCTC-3'
Protein context (NP_068761.4, residues 971-991): GNIEGGVATG[His981Arg]YIISWKRTSA

ClinVar aggregate classification (germline): Uncertain significance (1 of 4 stars; one submission).

Conditions:
Autosomal recessive limb-girdle muscular dystrophy type R18 (LGMDR18). Also called: Limb-girdle muscular dystrophy, type 2S; MUSCULAR DYSTROPHY, LIMB-GIRDLE, AUTOSOMAL RECESSIVE 18; Autosomal recessive limb-girdle muscular dystrophy type 2S. Identifiers: Orphanet 369840, MedGen C4517996, MONDO:0014144, OMIM 615356.

Allele frequency attached by ClinVar (database versions not stated): gnomAD exomes below 0.00001.
gnomAD v4.1: 1 of 1,612,820 alleles (0.000062%); highest among the groups gnomAD compares: African/African-American, 0.0013%; no homozygotes.

Submission:

Labcorp Genetics (formerly Invitae), Labcorp
Classification: Uncertain significance for Limb-girdle muscular dystrophy, type 2S. Last evaluated: 2019-05-07. Review status: criteria provided, single submitter. Criteria: Invitae Variant Classification Sherloc (09022015). Collection method: clinical testing. Allele origin: germline.
Comment: This sequence change replaces histidine with arginine at codon 981 of the TRAPPC11 protein (p.His981Arg). The histidine residue is moderately conserved and there is a small physicochemical difference between histidine and arginine. This variant is not present in population databases (ExAC no frequency). This variant has not been reported in the literature in individuals with TRAPPC11-related disease. Algorithms developed to predict the effect of missense changes on protein structure and function output the following: SIFT: "Tolerated"; PolyPhen-2: "Benign"; Align-GVGD: "Class C0". The arginine amino acid residue is found in multiple mammalian species, suggesting that this missense change does not adversely affect protein function. These predictions have not been confirmed by published functional studies and their clinical significance is uncertain. In summary, the available evidence is currently insufficient to determine the role of this variant in disease. Therefore, it has been classified as a Variant of Uncertain Significance.